The following is an entry in ClinVar:

ClinVar aggregate classification (germline): Benign. Review status: criteria provided, multiple submitters, no conflicts (2 of 4 stars). 3 submissions from 2 submitters: Benign (3). Last evaluated 2018-06-30.

Conditions:
Familial spontaneous pneumothorax (PSP). Identifiers: Orphanet 2903, MedGen C1868193, MONDO:0008259, OMIM 173600.
Birt-Hogg-Dube syndrome. Also called: Birt Hogg Dubé syndrome. Identifiers: Orphanet 122, MedGen C0346010, MONDO:0800444.

Allele frequency attached by ClinVar (database versions not stated): gnomAD 0.04131 and 0.04414; TOPMed 0.04613; 1000 Genomes Project 0.04912; 1000 Genomes Project 30x 0.05309.

Submissions (3):

GeneDx
Classification: Benign. Last evaluated: 2018-06-30. Review status: criteria provided, single submitter. Criteria: GeneDx Variant Classification Process June 2021. Collection method: clinical testing. Allele origin: germline. Affected: yes.

Illumina Laboratory Services, Illumina
Classification: Benign for Birt-Hogg-Dube syndrome 1. Last evaluated: 2018-01-12. Review status: criteria provided, single submitter. Criteria: ICSL Variant Classification Criteria 13 December 2019. Collection method: clinical testing. Allele origin: germline.
Comment: This variant was observed in the ICSL laboratory as part of a predisposition screen in an ostensibly healthy population. It had not been previously curated by ICSL or reported in the Human Gene Mutation Database (HGMD: prior to June 1st, 2018), and was therefore a candidate for classification through an automated scoring system. Utilizing variant allele frequency, disease prevalence and penetrance estimates, and inheritance mode, an automated score was calculated to assess if this variant is too frequent to cause the disease. Based on the score and internal cut-off values, a variant classified as benign is not then subjected to further curation. The score for this variant resulted in a classification of benign for this disease.

Illumina Laboratory Services, Illumina
Classification: Benign for Familial spontaneous pneumothorax. Last evaluated: 2018-01-12. Review status: criteria provided, single submitter. Criteria: ICSL Variant Classification Criteria 13 December 2019. Collection method: clinical testing. Allele origin: germline.
Comment: the same text as in the submission from Illumina Laboratory Services, Illumina above.

NM_144997.7(FLCN):c.-90A>G

Gene: FLCN (folliculin; minus strand). Cytogenetic location: 17p11.2.
Variant type: single nucleotide variant.
Coding change: c.-90A>G on transcript NM_144997.7 (MANE Select); 90 bases upstream of the start codon, A replaced by G.
Molecular consequence: 5 prime UTR variant.
Genome position (GRCh38, 1-based): chr17:17,231,859, T>C on the plus strand (A>G on the coding strand, the complement: FLCN is on the minus strand). VCF-style: chr17-17231859-T-C. GRCh37 (hg19) VCF-style: chr17-17135173-T-C.
Other names: c.-90A>G (LRG_325t1, NM_001353229.2, NM_144606.7); c.-373A>G (NM_001353230.2); c.-289A>G (NM_001353231.2).
Identifiers: ClinVar variation 322075 (VCV000322075.6), dbSNP rs8069957, ClinGen allele CA10648710.